The following is an entry in ClinVar:

ClinVar aggregate classification (germline): Conflicting classifications of pathogenicity. Review status: criteria provided, conflicting classifications (1 of 4 stars). 3 submissions from 3 submitters: Likely pathogenic (2); Uncertain significance (1). Last evaluated 2025-08-11.

Allele frequency attached by ClinVar (database versions not stated): gnomAD 0.00001; gnomAD exomes 0.00001; ExAC 0.00002.
gnomAD v4.1: 5 of 1,613,508 alleles (0.00031%); highest among the groups gnomAD compares: Non-Finnish European, 0.00034%; no homozygotes.

Submissions (3):

GeneDx
Classification: Likely pathogenic. Last evaluated: 2025-08-11. Review status: criteria provided, single submitter. Criteria: GeneDx Variant Classification Process June 2021. Collection method: clinical testing. Allele origin: germline. Affected: yes.
Comment: Not observed at significant frequency in large population cohorts (gnomAD); Nonsense variant predicted to result in protein truncation as the last 22 amino acids are lost; This variant is associated with the following publications: (PMID: 37273706, 31964843, 24027063)

Labcorp Genetics (formerly Invitae), Labcorp
Classification: Likely pathogenic. Last evaluated: 2025-04-27. Review status: criteria provided, single submitter. Criteria: Invitae Variant Classification Sherloc (09022015). Collection method: clinical testing. Allele origin: germline.
Comment: This sequence change creates a premature translational stop signal (p.Lys377*) in the ABHD12 gene. While this is not anticipated to result in nonsense mediated decay, it is expected to disrupt the last 22 amino acid(s) of the ABHD12 protein. This variant is present in population databases (rs752254456, gnomAD 0.002%). This premature translational stop signal has been observed in individual(s) with Polyneuropathy, hearing loss, ataxia, retinitis pigmentosa, and cataract and/or polyneuropathy, hearing loss, ataxia, retinitis pigmentosa, and cataract (PMID: 24027063, 37273706). In at least one individual the data is consistent with being in trans (on the opposite chromosome) from a pathogenic variant. ClinVar contains an entry for this variant (Variation ID: 2736957). Algorithms developed to predict the effect of sequence changes on RNA splicing suggest that this variant may disrupt the consensus splice site. This variant disrupts a region of the ABHD12 protein in which other variant(s) (p.Leu385Pro) have been observed in individuals with ABHD12-related conditions (PMID: 34573385). This suggests that this is a clinically significant region of the protein, and that variants that disrupt it are likely to be disease-causing. In summary, the currently available evidence indicates that the variant is pathogenic, but additional data are needed to prove that conclusively. Therefore, this variant has been classified as Likely Pathogenic.

Blueprint Genetics
Classification: Uncertain significance. Last evaluated: 2023-11-03. Review status: criteria provided, single submitter. Criteria: ACMG Guidelines, 2015. Collection method: clinical testing. Allele origin: germline.

Literature cited by the submitters: PubMed 24027063 (cited by Labcorp Genetics (formerly Invitae), Labcorp); PubMed 37273706 (cited by Labcorp Genetics (formerly Invitae), Labcorp); PubMed 34573385 (cited by Labcorp Genetics (formerly Invitae), Labcorp).

NM_001042472.3(ABHD12):c.1129A>T (p.Lys377Ter)

Gene: ABHD12 (abhydrolase domain containing 12, lysophospholipase; minus strand). Cytogenetic location: 20p11.21.
Variant type: single nucleotide variant.
Coding change: c.1129A>T on transcript NM_001042472.3 (MANE Select); coding-DNA position 1129, A replaced by T.
Protein change: p.Lys377Ter; replaces lysine 377 with a stop codon.
Molecular consequence: nonsense.
Genome position (GRCh38, 1-based): chr20:25,302,247, T>A on the plus strand (A>T on the coding strand, the complement: ABHD12 is on the minus strand). VCF-style: chr20-25302247-T-A. GRCh37 (hg19) VCF-style: chr20-25282883-T-A.
Other names: c.1129A>T, p.Lys377Ter (NM_015600.5); c.1129A>T (NM_001042472.2); short protein forms K377*.
Identifiers: ClinVar variation 2736957 (VCV002736957.4), dbSNP rs752254456, ClinGen allele CA9795820.